The following is an entry in ClinVar:

ClinVar aggregate classification (germline): Benign (1 of 4 stars; one submission).

Conditions:
DNAH7-related disorder. Also called: DNAH7-related condition.

gnomAD v4.1: 22,484 of 1,614,112 alleles (1.4%); highest among the groups gnomAD compares: East Asian, 25%; 1,888 homozygotes.

Submission:

PreventionGenetics, part of Exact Sciences
Classification: Benign for DNAH7-related condition. Last evaluated: 2025-02-27. Review status: criteria provided, single submitter. Criteria: ACMG Guidelines, 2015. Collection method: clinical testing. Allele origin: germline.
Comment: This variant is classified as benign based on ACMG/AMP sequence variant interpretation guidelines (Richards et al. 2015 PMID: 25741868, with internal and published modifications).

NM_018897.3(DNAH7):c.3392T>C (p.Ile1131Thr)

Gene: DNAH7 (dynein axonemal heavy chain 7; minus strand). Cytogenetic location: 2q32.3.
Variant type: single nucleotide variant.
Coding change: c.3392T>C on transcript NM_018897.3 (MANE Select); coding-DNA position 3392, T replaced by C.
Protein change: p.Ile1131Thr; replaces isoleucine 1131 with threonine.
Molecular consequence: missense variant.
Genome position (GRCh38, 1-based): chr2:195,934,670, A>G on the plus strand (T>C on the coding strand, the complement: DNAH7 is on the minus strand). VCF-style: chr2-195934670-A-G. GRCh37 (hg19) VCF-style: chr2-196799394-A-G.
Other names: short protein forms I1131T.
Identifiers: ClinVar variation 4983428 (VCV004983428.1).
Genomic context (GRCh38, chr2:195,934,670, plus strand): 5'-ATAACTCTCTCTAATTCAACCAACCACTTCTCCACTTGACCTCTGGCTTTGGCTGTTGAA[A>G]TAATCTCTATGAGTTCTACAACCTCTCCTTCGCTGCTCTTCATGTGAGTAATGTCTAAAG-3'
Protein context (NP_061720.2, residues 1121-1141): EGEVVELIEI[Ile1131Thr]STAKARGQVE